The following is an entry in ClinVar:

ClinVar aggregate classification (germline): Uncertain significance (1 of 4 stars; one submission).

Conditions:
Familial thoracic aortic aneurysm and aortic dissection (TAAD). Also called: Thoracic aortic aneurysms and dissections. Identifiers: Orphanet 91387, MedGen C4707243, MONDO:0019625.

gnomAD v4.1: 4 of 1,614,094 alleles (0.00025%); highest among the groups gnomAD compares: Non-Finnish European, 0.00034%; no homozygotes.

Submission:

Color Diagnostics, LLC DBA Color Health
Classification: Uncertain significance for Familial thoracic aortic aneurysm and aortic dissection. Last evaluated: 2025-09-11. Review status: criteria provided, single submitter. Criteria: ACMG Guidelines, 2015. Collection method: clinical testing. Allele origin: germline.
Comment: This missense variant replaces glutamic acid with aspartic acid at codon 519 of the TGFBR2 protein. Computational prediction suggests that this variant may not impact protein structure and function. To our knowledge, functional studies have not been reported for this variant. This variant has not been reported in individuals affected with TGFBR2-related disorders in the literature. This variant has not been identified in the general population by the Genome Aggregation Database (gnomAD). The available evidence is insufficient to determine the role of this variant in disease conclusively. Therefore, this variant is classified as a Variant of Uncertain Significance.

NM_003242.6(TGFBR2):c.1557G>T (p.Glu519Asp)

Gene: TGFBR2 (transforming growth factor beta receptor 2; plus strand). Cytogenetic location: 3p24.1.
Variant type: single nucleotide variant.
Coding change: c.1557G>T on transcript NM_003242.6 (MANE Select); coding-DNA position 1557, G replaced by T.
Protein change: p.Glu519Asp; replaces glutamic acid 519 with aspartic acid.
Molecular consequence: missense variant.
Genome position (GRCh38, 1-based): chr3:30,691,452, G>T. VCF-style: chr3-30691452-G-T. GRCh37 (hg19) VCF-style: chr3-30732944-G-T.
Other names: c.1632G>T, p.Glu544Asp (NM_001024847.3); c.1740G>T, p.Glu580Asp (NM_001407126.1); c.1665G>T, p.Glu555Asp (NM_001407127.1); c.1584G>T, p.Glu528Asp (NM_001407128.1); c.1560G>T, p.Glu520Asp (NM_001407129.1); c.1554G>T, p.Glu518Asp (NM_001407130.1); c.1452G>T, p.Glu484Asp (NM_001407132.1, NM_001407133.1, NM_001407134.1 and 2 more transcripts); c.1272G>T, p.Glu424Asp (NM_001407137.1); and 2 more; short protein forms E229D, E399D, E424D, E484D, E518D, E519D, E520D, E528D.
Identifiers: ClinVar variation 4756556 (VCV004756556.1).
Genomic context (GRCh38, chr3:30,691,452, plus strand): 5'-TGCCCTTTGGATCTCTTTCCCGCTACAGGGCATCCAGATGGTGTGTGAGACGTTGACTGA[G>T]TGCTGGGACCACGACCCAGAGGCCCGTCTCACAGCCCAGTGTGTGGCAGAACGCTTCAGT-3'
Protein context (NP_003233.4, residues 509-529): GIQMVCETLT[Glu519Asp]CWDHDPEARL